The following is an entry in ClinVar:

ClinVar aggregate classification (germline): Uncertain significance. Review status: criteria provided, multiple submitters, no conflicts (2 of 4 stars). 2 submissions from 2 submitters: Uncertain significance (2). Last evaluated 2023-07-17.

Conditions:
Acral peeling skin syndrome. Also called: Peeling skin syndrome 2. Identifiers: Orphanet 263534, MedGen C1853354, MONDO:0012345, OMIM 609796.

Allele frequency attached by ClinVar (database versions not stated): gnomAD exomes below 0.00001; ExAC 0.00001; gnomAD 0.00001.
gnomAD v4.1: 6 of 1,613,784 alleles (0.00037%); highest among the groups gnomAD compares: Middle Eastern, 0.033%; no homozygotes.

Submissions (2):

Victorian Clinical Genetics Services, Murdoch Childrens Research Institute
Classification: Uncertain significance for Acral peeling skin syndrome. Last evaluated: 2023-07-17. Review status: criteria provided, single submitter. Criteria: ACMG Guidelines, 2015. Collection method: clinical testing. Allele origin: germline. Inheritance: Autosomal recessive inheritance. Affected: yes.
Comment: Based on the classification scheme VCGS_Germline_v1.3.4, this variant is classified as VUS-3B. Following criteria are met: 0102 - Loss-of-function is a known mechanism of disease for this gene and is associated with peeling skin syndrome 2 (MIM#609796). (I) 0106 - This gene is associated with autosomal recessive disease. (I) 0200 - Variant is predicted to result in a missense amino acid change from lysine to asparagine. (I) 0251 - This variant is heterozygous. (I) 0304 - Variant is present in gnomAD (v2) <0.01 for a recessive condition (1 heterozygote, 0 homozygotes). (SP) 0502 - Missense variant with conflicting in silico predictions and uninformative conservation. (I) 0604 - Variant is not located in an established domain, motif, hotspot or informative constraint region. (I) 0705 - No comparable missense variants have previous evidence for pathogenicity. (I) 0809 - Previous evidence of pathogenicity for this variant is inconclusive. This variant has been classified as a VUS by a clinical laboratory in ClinVar who observed it in an unaffected individual. (I) 0905 - No published segregation evidence has been identified for this variant. (I) 1007 - No published functional evidence has been identified for this variant. (I) 1201 - Heterozygous variant detected in trans with a second pathogenic heterozygous variant (NM_201631.3(TGM5):c.337G>T; p.(Gly113Cys)) in a recessive disease. In addition, it was shown in cis with another VUS (NM_201631.3(TGM5):c.1020T>A; p.(Asn340Lys)). (I) Legend: (SP) - Supporting pathogenic, (I) - Information, (SB) - Supporting benign

Illumina Laboratory Services, Illumina
Classification: Uncertain significance for Acral peeling skin syndrome. Last evaluated: 2017-04-27. Review status: criteria provided, single submitter. Criteria: ICSL Variant Classification Criteria 13 December 2019. Collection method: clinical testing. Allele origin: germline.
Comment: This variant was observed as part of a predisposition screen in an ostensibly healthy population. A literature search was performed for the gene, cDNA change, and amino acid change (where applicable). Publications were found based on this search. However, the evidence from the literature, in combination with allele frequency data from public databases where available, was not sufficient to rule this variant in or out of causing disease. Therefore, this variant is classified as a variant of unknown significance.

Literature cited by the submitters: PubMed 21469335 (cited by Illumina Laboratory Services, Illumina).

NM_201631.4(TGM5):c.600G>C (p.Lys200Asn)

Gene: TGM5 (transglutaminase 5; minus strand). Cytogenetic location: 15q15.2.
Variant type: single nucleotide variant.
Coding change: c.600G>C on transcript NM_201631.4 (MANE Select); coding-DNA position 600, G replaced by C.
Protein change: p.Lys200Asn; replaces lysine 200 with asparagine.
Molecular consequence: missense variant.
Genome position (GRCh38, 1-based): chr15:43,253,590, C>G on the plus strand (G>C on the coding strand, the complement: TGM5 is on the minus strand). VCF-style: chr15-43253590-C-G. GRCh37 (hg19) VCF-style: chr15-43545788-C-G.
Other names: c.354G>C, p.Lys118Asn (NM_004245.4); short protein forms K200N, K118N.
Identifiers: ClinVar variation 887703 (VCV000887703.5), dbSNP rs758206600, ClinGen allele CA7521286.